The following is an entry in ClinVar:

NM_001267550.2(TTN):c.30682+7T>C

Gene: TTN (titin; minus strand). Cytogenetic location: 2q31.2.
Variant type: single nucleotide variant.
Coding change: c.30682+7T>C on transcript NM_001267550.2 (MANE Select); 7 bases into the intron after coding-DNA position 30682, T replaced by C.
Molecular consequence: intron variant.
Genome position (GRCh38, 1-based): chr2:178,701,113, A>G on the plus strand (T>C on the coding strand, the complement: TTN is on the minus strand). VCF-style: chr2-178701113-A-G. GRCh37 (hg19) VCF-style: chr2-179565840-A-G.
Other names: c.13282+36969T>C (NM_003319.4); c.13858+36969T>C (NM_133437.4); c.13657+36969T>C (NM_133432.3); c.29731+7T>C (NM_001256850.1); c.26950+7T>C (NM_133378.4).
Identifiers: ClinVar variation 332898 (VCV000332898.13), dbSNP rs752353097, ClinGen allele CA1999079.
Genomic context (GRCh38, chr2:178,701,113, plus strand): 5'-AGCAACATTTTTCGGGTCAGCAGAGTGAAATTCTTATTTCGACATCTAGGTAGATGAGGT[A>G]TAATACCTTCAATACGTTTTGGTGGTGGTTTCTTTTCTTCGGGTGTTGGTAGCAAAAGGG-3'

ClinVar aggregate classification (germline): Conflicting classifications of pathogenicity. Review status: criteria provided, conflicting classifications (1 of 4 stars). 6 submissions from 2 submitters: Uncertain significance (3); Likely benign (3). Last evaluated 2025-09-29.

Conditions:
Dilated cardiomyopathy 1G (CMD1G). Identifiers: Orphanet 154, MedGen C1858763, MONDO:0011400, OMIM 604145.
Autosomal recessive limb-girdle muscular dystrophy type 2J (LGMDR10). Also called: MUSCULAR DYSTROPHY, LIMB-GIRDLE, AUTOSOMAL RECESSIVE 10; Limb-girdle muscular dystrophy, type 2J. Identifiers: Orphanet 140922, MedGen C1837342, MONDO:0012127, OMIM 608807.
Early-onset myopathy with fatal cardiomyopathy (CMYO5). Also called: CONGENITAL MYOPATHY 5 WITH CARDIOMYOPATHY; Salih Myopathy. Identifiers: Orphanet 289377, MedGen C2673677, MONDO:0012714, OMIM 611705. Disease mechanism: loss of function.
Myopathy, myofibrillar, 9, with early respiratory failure (MFM9). Also called: Myopathy, distal, with early respiratory failure, autosomal dominant; Hereditary myopathy with early respiratory failure; EDSTROM MYOPATHY; MYOPATHY, PROXIMAL, WITH EARLY RESPIRATORY MUSCLE INVOLVEMENT. Identifiers: Orphanet 178464, Orphanet 34521, MedGen C1863599, MONDO:0011362, OMIM 603689.
Tibial muscular dystrophy (TMD). Also called: Udd Distal Myopathy – Tibial Muscular Dystrophy; UDD MYOPATHY; Tibial muscular dystrophy, tardive. Identifiers: Orphanet 609, MedGen C1838244, MONDO:0010870, OMIM 600334.

Allele frequency attached by ClinVar (database versions not stated): gnomAD exomes 0.00001; ExAC 0.00002.
gnomAD v4.1: 10 of 1,613,074 alleles (0.00062%); highest among the groups gnomAD compares: South Asian, 0.0011%; no homozygotes.

Submissions (6):

Labcorp Genetics (formerly Invitae), Labcorp
Classification: Likely benign for Dilated cardiomyopathy 1G; Autosomal recessive limb-girdle muscular dystrophy type 2J. Last evaluated: 2025-09-29. Review status: criteria provided, single submitter. Criteria: Invitae Variant Classification Sherloc (09022015). Collection method: clinical testing. Allele origin: germline.

Illumina Laboratory Services, Illumina
Classification: Likely benign for Tibial muscular dystrophy. Last evaluated: 2018-01-13. Review status: criteria provided, single submitter. Criteria: ICSL Variant Classification Criteria 13 December 2019. Collection method: clinical testing. Allele origin: germline.
Comment: This variant was observed in the ICSL laboratory as part of a predisposition screen in an ostensibly healthy population. It had not been previously curated by ICSL or reported in the Human Gene Mutation Database (HGMD: prior to June 1st, 2018), and was therefore a candidate for classification through an automated scoring system. Utilizing variant allele frequency, disease prevalence and penetrance estimates, and inheritance mode, an automated score was calculated to assess if this variant is too frequent to cause the disease. Based on the score and internal cut-off values, a variant classified as likely benign is not then subjected to further curation. The score for this variant resulted in a classification of likely benign for this disease.

Illumina Laboratory Services, Illumina
Classification: Uncertain significance for Autosomal recessive limb-girdle muscular dystrophy type 2J. Last evaluated: 2018-01-13. Review status: criteria provided, single submitter. Criteria: ICSL Variant Classification Criteria 13 December 2019. Collection method: clinical testing. Allele origin: germline.

Illumina Laboratory Services, Illumina
Classification: Likely benign for Myopathy, myofibrillar, 9, with early respiratory failure. Last evaluated: 2018-01-13. Review status: criteria provided, single submitter. Criteria: ICSL Variant Classification Criteria 13 December 2019. Collection method: clinical testing. Allele origin: germline.
Comment: the same text as in the submission from Illumina Laboratory Services, Illumina above.

Illumina Laboratory Services, Illumina
Classification: Uncertain significance for Early-onset myopathy with fatal cardiomyopathy. Last evaluated: 2018-01-13. Review status: criteria provided, single submitter. Criteria: ICSL Variant Classification Criteria 13 December 2019. Collection method: clinical testing. Allele origin: germline.

Illumina Laboratory Services, Illumina
Classification: Uncertain significance for Dilated cardiomyopathy 1G. Last evaluated: 2018-01-13. Review status: criteria provided, single submitter. Criteria: ICSL Variant Classification Criteria 13 December 2019. Collection method: clinical testing. Allele origin: germline.